The following is an entry in ClinVar:

ClinVar aggregate classification (germline): Benign (1 of 4 stars; one submission).

Conditions:
Fibrous dysplasia of jaw (CRBM). Also called: Cherubism. Identifiers: Orphanet 184, MedGen C0008029, MONDO:0007315, OMIM 118400.

Allele frequency attached by ClinVar (database versions not stated): gnomAD 0.00011 and 0.00012; TOPMed 0.00018; 1000 Genomes Project 0.00040; 1000 Genomes Project 30x 0.00047.
gnomAD v4.1: 18 of 151,918 alleles (0.012%); highest among the groups gnomAD compares: African/African-American, 0.043%; no homozygotes.

Submission:

Illumina Laboratory Services, Illumina
Classification: Benign for Fibrous dysplasia of jaw. Last evaluated: 2018-01-13. Review status: criteria provided, single submitter. Criteria: ICSL Variant Classification Criteria 13 December 2019. Collection method: clinical testing. Allele origin: germline.
Comment: This variant was observed in the ICSL laboratory as part of a predisposition screen in an ostensibly healthy population. It had not been previously curated by ICSL or reported in the Human Gene Mutation Database (HGMD: prior to June 1st, 2018), and was therefore a candidate for classification through an automated scoring system. Utilizing variant allele frequency, disease prevalence and penetrance estimates, and inheritance mode, an automated score was calculated to assess if this variant is too frequent to cause the disease. Based on the score and internal cut-off values, a variant classified as benign is not then subjected to further curation. The score for this variant resulted in a classification of benign for this disease.

NM_001122681.2(SH3BP2):c.*5996C>T

Gene: SH3BP2 (SH3 domain binding protein 2; plus strand). Cytogenetic location: 4p16.3.
Variant type: single nucleotide variant.
Coding change: c.*5996C>T on transcript NM_001122681.2 (MANE Select); 5996 bases downstream of the stop codon, C replaced by T.
Molecular consequence: 3 prime UTR variant.
Genome position (GRCh38, 1-based): chr4:2,839,830, C>T. VCF-style: chr4-2839830-C-T. GRCh37 (hg19) VCF-style: chr4-2841557-C-T.
Other names: c.*5996C>T (LRG_1334t1, LRG_1334t2, NM_001145855.2 and 2 more transcripts).
Identifiers: ClinVar variation 348698 (VCV000348698.5), dbSNP rs570387883, ClinGen allele CA10620995.